The following is an entry in ClinVar:

ClinVar aggregate classification (germline): Uncertain significance (1 of 4 stars; one submission).

Conditions:
Familial Mediterranean fever (FMF). Also called: POLYSEROSITIS, FAMILIAL PAROXYSMAL; POLYSEROSITIS, RECURRENT; Periodic peritonitis; Benign paroxysmal peritonitis. Identifiers: Orphanet 342, MedGen C0031069, MONDO:0018088, OMIM 249100. Disease mechanism: gain of function.

Allele frequency attached by ClinVar (database versions not stated): gnomAD exomes 0.00001; ExAC 0.00001.
gnomAD v4.1: 4 of 1,614,240 alleles (0.00025%); highest among the groups gnomAD compares: Non-Finnish European, 0.00025%; no homozygotes.

Submission:

Labcorp Genetics (formerly Invitae), Labcorp
Classification: Uncertain significance for Familial Mediterranean fever. Last evaluated: 2022-06-23. Review status: criteria provided, single submitter. Criteria: Invitae Variant Classification Sherloc (09022015). Collection method: clinical testing. Allele origin: germline.
Comment: This sequence change replaces glycine, which is neutral and non-polar, with alanine, which is neutral and non-polar, at codon 250 of the MEFV protein (p.Gly250Ala). This variant is present in population databases (rs776333795, gnomAD 0.002%). This variant has not been reported in the literature in individuals affected with MEFV-related conditions. Algorithms developed to predict the effect of missense changes on protein structure and function (SIFT, PolyPhen-2, Align-GVGD) all suggest that this variant is likely to be tolerated. In summary, the available evidence is currently insufficient to determine the role of this variant in disease. Therefore, it has been classified as a Variant of Uncertain Significance.

NM_000243.3(MEFV):c.749G>C (p.Gly250Ala)

Gene: MEFV (MEFV innate immunity regulator, pyrin; minus strand). Cytogenetic location: 16p13.3.
Variant type: single nucleotide variant.
Coding change: c.749G>C on transcript NM_000243.3 (MANE Select); coding-DNA position 749, G replaced by C.
Protein change: p.Gly250Ala; replaces glycine 250 with alanine.
Molecular consequence: missense variant. On other transcripts: intron variant (1).
Genome position (GRCh38, 1-based): chr16:3,254,319, C>G on the plus strand (G>C on the coding strand, the complement: MEFV is on the minus strand). VCF-style: chr16-3254319-C-G. GRCh37 (hg19) VCF-style: chr16-3304319-C-G.
Other names: c.277+1992G>C (NM_001198536.2); short protein forms G250A.
Identifiers: ClinVar variation 2160505 (VCV002160505.1), dbSNP rs776333795, ClinGen allele CA7860337.
Genomic context (GRCh38, chr16:3,254,319, plus strand): 5'-TTCGCAGCTGTCTTTTCCTCTAGAGTCAGGAGAATTTCTGGATTTGCGGGCGCCTTCTCC[C>G]CTGTAGAAATGGTGACCTCAAGGCTTCTAGGTCGCATCTTTCCCGAGGGCAGGTACACTT-3'
Protein context (NP_000234.1, residues 240-260): PRSLEVTIST[Gly250Ala]EKAPANPEIL